The following is an entry in ClinVar:

ClinVar aggregate classification (germline): Likely pathogenic (1 of 4 stars; one submission).

Conditions:
YWHAG-related disorder. Also called: YWHAG-related condition.

Submission:

PreventionGenetics, part of Exact Sciences
Classification: Likely pathogenic for YWHAG-related condition. Last evaluated: 2025-06-27. Review status: criteria provided, single submitter. Criteria: ACMG Guidelines, 2015. Collection method: clinical testing. Allele origin: germline.
Comment: The YWHAG c.388dupT variant is predicted to result in a frameshift and premature protein termination (p.Tyr130Leufs*7). To our knowledge, this variant has not been reported in the literature or in a large population database (gnomAD), indicating this variant is rare. A downstream loss-of-function variant (p.Trp233*) has been reported de novo in an individual with generalized epilepsy and mild developmental delay and intellectual disability (Table S1, Cetica et al. 2024. PubMed ID: 38491959). Truncating variants in YWHAG are expected to be pathogenic. This variant is interpreted as likely pathogenic.

NM_012479.4(YWHAG):c.388dup (p.Tyr130fs)

Gene: YWHAG (tyrosine 3-monooxygenase/tryptophan 5-monooxygenase activation protein gamma; minus strand). Cytogenetic location: 7q11.23.
Variant type: Duplication.
Coding change: c.388dup on transcript NM_012479.4 (MANE Select); coding-DNA position 388, one base duplicated (T; older notation c.388dupT).
Protein change: p.Tyr130fs; shifts the reading frame from tyrosine 130.
Molecular consequence: frameshift variant.
Genome position (GRCh38, 1-based): chr7:76,329,933, A duplicated on the plus strand (T on the coding strand, the reverse complement: YWHAG is on the minus strand). VCF-style (leftmost placement, unchanged base first): chr7-76329932-T-TA. GRCh37 (hg19) VCF-style: chr7-75959249-T-TA.
Other names: short protein forms Y130fs.
Identifiers: ClinVar variation 4997945 (VCV004997945.1).